The following is an entry in ClinVar:

ClinVar aggregate classification (germline): Uncertain significance (1 of 4 stars; one submission).

Conditions:
HYPERHOMOCYSTEINEMIA, THROMBOTIC, CBS-RELATED. Identifiers: MedGen C3150344, OMIM 236200.

Submission:

Labcorp Genetics (formerly Invitae), Labcorp
Classification: Uncertain significance for HYPERHOMOCYSTEINEMIA, THROMBOTIC, CBS-RELATED. Last evaluated: 2021-08-28. Review status: criteria provided, single submitter. Criteria: Invitae Variant Classification Sherloc (09022015). Collection method: clinical testing. Allele origin: germline.
Comment: This sequence change replaces glycine with serine at codon 418 of the CBS protein (p.Gly418Ser). The glycine residue is weakly conserved and there is a small physicochemical difference between glycine and serine. This variant is not present in population databases (ExAC no frequency). This variant has not been reported in the literature in individuals affected with CBS-related conditions. Algorithms developed to predict the effect of missense changes on protein structure and function output the following: SIFT: "Tolerated"; PolyPhen-2: "Benign"; Align-GVGD: "Class C0". The serine amino acid residue is found in multiple mammalian species, which suggests that this missense change does not adversely affect protein function. In summary, the available evidence is currently insufficient to determine the role of this variant in disease. Therefore, it has been classified as a Variant of Uncertain Significance.

NM_000071.3(CBS):c.1252G>A (p.Gly418Ser)

Gene: CBS (cystathionine beta-synthase; minus strand). Cytogenetic location: 21q22.3.
Variant type: single nucleotide variant.
Coding change: c.1252G>A on transcript NM_000071.3 (MANE Select); coding-DNA position 1252, G replaced by A.
Protein change: p.Gly418Ser; replaces glycine 418 with serine.
Molecular consequence: missense variant.
Genome position (GRCh38, 1-based): chr21:43,058,940, C>T on the plus strand (G>A on the coding strand, the complement: CBS is on the minus strand). VCF-style: chr21-43058940-C-T. GRCh37 (hg19) VCF-style: chr21-44479050-C-T.
Other names: c.1252G>A, p.Gly418Ser (NM_001178008.3, NM_001178009.3, NM_001320298.2); c.937G>A, p.Gly313Ser (NM_001321072.1); short protein forms G418S, G313S.
Identifiers: ClinVar variation 1036301 (VCV001036301.45), dbSNP rs1200734227, ClinGen allele CA410397372.